The following is an entry in ClinVar:

NM_005883.3(APC2):c.4553C>T (p.Pro1518Leu)

Gene: APC2 (APC regulator of Wnt signaling pathway 2; plus strand). Cytogenetic location: 19p13.3.
Variant type: single nucleotide variant.
Coding change: c.4553C>T on transcript NM_005883.3 (MANE Select); coding-DNA position 4553, C replaced by T.
Protein change: p.Pro1518Leu; replaces proline 1518 with leucine.
Molecular consequence: missense variant.
Genome position (GRCh38, 1-based): chr19:1,467,854, C>T. VCF-style: chr19-1467854-C-T. GRCh37 (hg19) VCF-style: chr19-1467853-C-T.
Other names: c.4550C>T, p.Pro1517Leu (NM_001351273.1); c.4553C>T (NM_005883.2); short protein forms P1517L, P1518L.
Identifiers: ClinVar variation 2037738 (VCV002037738.5), dbSNP rs1170805993, ClinGen allele CA403037337.

ClinVar aggregate classification (germline): Uncertain significance. Review status: criteria provided, multiple submitters, no conflicts (2 of 4 stars). 2 submissions from 2 submitters: Uncertain significance (2). Last evaluated 2025-09-03.

Conditions:
Inborn genetic diseases. Identifiers: MedGen C0950123, MeSH D030342.

Allele frequency attached by ClinVar (database versions not stated): gnomAD exomes below 0.00001.
gnomAD v4.1: 1 of 1,545,490 alleles (0.000065%); highest among the groups gnomAD compares: Admixed American, 0.0019%; no homozygotes.

Submissions (2):

Ambry Genetics
Classification: Uncertain significance for Inborn genetic diseases. Last evaluated: 2025-09-03. Review status: criteria provided, single submitter. Criteria: Ambry Variant Classification Scheme 2023. Collection method: clinical testing. Allele origin: germline.

Labcorp Genetics (formerly Invitae), Labcorp
Classification: Uncertain significance. Last evaluated: 2022-09-01. Review status: criteria provided, single submitter. Criteria: Invitae Variant Classification Sherloc (09022015). Collection method: clinical testing. Allele origin: germline.
Comment: This variant is not present in population databases (gnomAD no frequency). In summary, the available evidence is currently insufficient to determine the role of this variant in disease. Therefore, it has been classified as a Variant of Uncertain Significance. Algorithms developed to predict the effect of missense changes on protein structure and function output the following: SIFT: "Tolerated"; PolyPhen-2: "Benign"; Align-GVGD: "Class C0". The leucine amino acid residue is found in multiple mammalian species, which suggests that this missense change does not adversely affect protein function. This variant has not been reported in the literature in individuals affected with APC2-related conditions. This sequence change replaces proline, which is neutral and non-polar, with leucine, which is neutral and non-polar, at codon 1518 of the APC2 protein (p.Pro1518Leu).